The following is an entry in ClinVar:

NM_005902.4(SMAD3):c.79GAG[1] (p.Glu28del)

Gene: SMAD3 (SMAD family member 3; plus strand). Cytogenetic location: 15q22.33.
Variant type: Microsatellite.
Coding change: c.79GAG[1] on transcript NM_005902.4 (MANE Select); one copy of the 3-base unit GAG starting at c.79; the reference has two copies in a row; one copy, 3 bases deleted.
Protein change: p.Glu28del; deletes glutamic acid 28.
Molecular consequence: inframe deletion. On other transcripts: inframe indel (3).
Genome position (GRCh38, 1-based): chr15:67,066,236-67,066,238, GAG deleted; deleting any 3 consecutive bases within chr15:67,066,231-67,066,238 gives the same sequence; the position shown is the placement nearest the transcript's 3' end. VCF-style (leftmost placement, unchanged base first): chr15-67066230-CAGG-C. GRCh37 (hg19) VCF-style: chr15-67358568-CAGG-C.
Other names: c.79_81GAG[1], p.Glu28del (NM_001407011.1, NM_001407012.1, NM_001407013.1); short protein forms E28del.
Identifiers: ClinVar variation 2038647 (VCV002038647.4), dbSNP rs2504999938, ClinGen allele CA2580612804.

ClinVar aggregate classification (germline): Uncertain significance (1 of 4 stars; one submission).

Conditions:
Familial thoracic aortic aneurysm and aortic dissection (TAAD). Also called: Thoracic aortic aneurysms and dissections. Identifiers: Orphanet 91387, MedGen C4707243, MONDO:0019625.

Submission:

Labcorp Genetics (formerly Invitae), Labcorp
Classification: Uncertain significance for Familial thoracic aortic aneurysm and aortic dissection. Last evaluated: 2022-04-23. Review status: criteria provided, single submitter. Criteria: Invitae Variant Classification Sherloc (09022015). Collection method: clinical testing. Allele origin: germline.
Comment: In summary, the available evidence is currently insufficient to determine the role of this variant in disease. Therefore, it has been classified as a Variant of Uncertain Significance. Experimental studies and prediction algorithms are not available or were not evaluated, and the functional significance of this variant is currently unknown. This variant has been observed in individual(s) with thoracic aortic aneurysm (Invitae). This variant is not present in population databases (gnomAD no frequency). This variant, c.82_84del, results in the deletion of 1 amino acid(s) of the SMAD3 protein (p.Glu28del), but otherwise preserves the integrity of the reading frame.